The following is an entry in ClinVar:

ClinVar aggregate classification (germline): Likely pathogenic (1 of 4 stars; one submission).

Conditions:
Camptodactyly-arthropathy-coxa vara-pericarditis syndrome. Also called: PAC SYNDROME; FIBROSING SEROSITIS, FAMILIAL; Arthropathy camptodactyly syndrome; Pericarditis arthropathy camptodactyly syndrome; Congenital familial hypertrophic synovitis; JACOBS SYNDROME. Identifiers: Orphanet 2848, MedGen C1859690, MONDO:0008828, OMIM 208250.

gnomAD v4.1: 3 of 1,613,690 alleles (0.00019%); highest among the groups gnomAD compares: East Asian, 0.0045%; no homozygotes.

Submission:

Juno Genomics, Hangzhou Juno Genomics, Inc
Classification: Likely pathogenic for Camptodactyly-arthropathy-coxa vara-pericarditis syndrome. Review status: criteria provided, single submitter. Criteria: ACMG Guidelines, 2015. Collection method: clinical testing. Allele origin: germline.
Comment: Null variant in a gene where loss of function (LOF) is a known mechanism of disease.;Absent from controls (or at extremely low frequency if recessive) in Genome Aggregation Database.

NM_005807.6(PRG4):c.58C>T (p.Gln20Ter)

Gene: PRG4 (proteoglycan 4; plus strand). Cytogenetic location: 1q31.1.
Variant type: single nucleotide variant.
Coding change: c.58C>T on transcript NM_005807.6 (MANE Select); coding-DNA position 58, C replaced by T.
Protein change: p.Gln20Ter; replaces glutamine 20 with a stop codon.
Molecular consequence: nonsense.
Genome position (GRCh38, 1-based): chr1:186,296,933, C>T. VCF-style: chr1-186296933-C-T. GRCh37 (hg19) VCF-style: chr1-186266065-C-T.
Other names: c.58C>T, p.Gln20Ter (NM_001127708.3, NM_001127709.3, NM_001127710.3 and 1 more transcripts); short protein forms Q20*.
Identifiers: ClinVar variation 5005399 (VCV005005399.2).